The following is an entry in ClinVar:

ClinVar aggregate classification (germline): Uncertain significance (1 of 4 stars; one submission).

Allele frequency attached by ClinVar (database versions not stated): TOPMed 0.00001.
gnomAD v4.1: 1 of 1,613,680 alleles (0.000062%); highest among the groups gnomAD compares: Admixed American, 0.0017%; no homozygotes.

Submission:

Labcorp Genetics (formerly Invitae), Labcorp
Classification: Uncertain significance. Last evaluated: 2022-05-26. Review status: criteria provided, single submitter. Criteria: Invitae Variant Classification Sherloc (09022015). Collection method: clinical testing. Allele origin: germline.
Comment: In summary, the available evidence is currently insufficient to determine the role of this variant in disease. Therefore, it has been classified as a Variant of Uncertain Significance. Advanced modeling of protein sequence and biophysical properties (such as structural, functional, and spatial information, amino acid conservation, physicochemical variation, residue mobility, and thermodynamic stability) performed at Invitae indicates that this missense variant is not expected to disrupt FAT4 protein function. This variant has not been reported in the literature in individuals affected with FAT4-related conditions. This variant is not present in population databases (gnomAD no frequency). This sequence change replaces threonine, which is neutral and polar, with isoleucine, which is neutral and non-polar, at codon 2990 of the FAT4 protein (p.Thr2990Ile).

NM_001291303.3(FAT4):c.8975C>T (p.Thr2992Ile)

Gene: FAT4 (FAT atypical cadherin 4; plus strand). Cytogenetic location: 4q28.1.
Variant type: single nucleotide variant.
Coding change: c.8975C>T on transcript NM_001291303.3 (MANE Select); coding-DNA position 8975, C replaced by T.
Protein change: p.Thr2992Ile; replaces threonine 2992 with isoleucine.
Molecular consequence: missense variant.
Genome position (GRCh38, 1-based): chr4:125,449,985, C>T. VCF-style: chr4-125449985-C-T. GRCh37 (hg19) VCF-style: chr4-126371140-C-T.
Other names: c.8975C>T, p.Thr2992Ile (NM_001291285.3); c.8969C>T, p.Thr2990Ile (NM_024582.6); short protein forms T2990I, T2992I.
Identifiers: ClinVar variation 1509512 (VCV001509512.6), dbSNP rs925926334, ClinGen allele CA104881582.